The following is an entry in ClinVar:

NM_001126128.2(PROK2):c.187A>G (p.Lys63Glu)

Gene: PROK2 (prokineticin 2; minus strand). Cytogenetic location: 3p13.
Variant type: single nucleotide variant.
Coding change: c.187A>G on transcript NM_001126128.2 (MANE Select); coding-DNA position 187, A replaced by G.
Protein change: p.Lys63Glu; replaces lysine 63 with glutamic acid.
Molecular consequence: missense variant.
Genome position (GRCh38, 1-based): chr3:71,781,502, T>C on the plus strand (A>G on the coding strand, the complement: PROK2 is on the minus strand). VCF-style: chr3-71781502-T-C. GRCh37 (hg19) VCF-style: chr3-71830653-T-C.
Other names: c.187A>G, p.Lys63Glu (NM_021935.4); short protein forms K63E.
Identifiers: ClinVar variation 3783514 (VCV003783514.2).

ClinVar aggregate classification (germline): Uncertain significance. Review status: criteria provided, multiple submitters, no conflicts (2 of 4 stars). 2 submissions from 2 submitters: Uncertain significance (2). Last evaluated 2025-11-22.

Conditions:
PROK2-related disorder. Also called: PROK2-related condition.
Inborn genetic diseases. Identifiers: MedGen C0950123, MeSH D030342.

Submissions (2):

PreventionGenetics, part of Exact Sciences
Classification: Uncertain significance for PROK2-related condition. Last evaluated: 2025-11-22. Review status: criteria provided, single submitter. Criteria: ACMG Guidelines, 2015. Collection method: clinical testing. Allele origin: germline.
Comment: The PROK2 c.187A>G variant is predicted to result in the amino acid substitution p.Lys63Glu. To our knowledge, this variant has not been reported in the literature. This variant is reported in 0.0033% of alleles in individuals of South Asian descent in gnomAD. At this time, the clinical significance of this variant is uncertain due to the absence of conclusive functional and genetic evidence.

Ambry Genetics
Classification: Uncertain significance for Inborn genetic diseases. Last evaluated: 2025-01-23. Review status: criteria provided, single submitter. Criteria: Ambry Variant Classification Scheme 2023. Collection method: clinical testing. Allele origin: germline.